The following is an entry in ClinVar:

NM_007078.3(LDB3):c.897-6834C>T

Gene: LDB3 (LIM domain binding 3; plus strand). Cytogenetic location: 10q23.2.
Variant type: single nucleotide variant.
Coding change: c.897-6834C>T on transcript NM_007078.3 (MANE Select); 6834 bases into the intron before coding-DNA position 897, C replaced by T.
Molecular consequence: intron variant. On other transcripts: 3 prime UTR variant (6).
Genome position (GRCh38, 1-based): chr10:86,699,697, C>T. VCF-style: chr10-86699697-C-T. GRCh37 (hg19) VCF-style: chr10-88459454-C-T.
Other names: c.*323C>T (NM_001080115.2, NM_001080116.1, NM_001171611.2 and 3 more transcripts); c.896+7126C>T (NM_001368064.1, NM_001368065.1); c.1100+7126C>T (NM_001171610.2); c.756-6834C>T (NM_001368066.1); c.755+7126C>T (NM_001080114.2).
Identifiers: ClinVar variation 301340 (VCV000301340.30), dbSNP rs185972751, ClinGen allele CA10636699.
Genomic context (GRCh38, chr10:86,699,697, plus strand): 5'-GCCCTCTGCACAGGGCCTTAGCTGTAGACCAGAGAGGGCAGGAGGGGTTTGCTGGCATAA[C>T]ACCCCAGAACCAAGGGAAATGGATGGGCCGCTGCTCAGTTTCCCACCATCCTCAGCTCCT-3'

ClinVar aggregate classification (germline): Likely benign. Review status: criteria provided, multiple submitters, no conflicts (2 of 4 stars). 2 submissions from 2 submitters: Likely benign (2). Last evaluated 2023-01-01.

Allele frequency attached by ClinVar (database versions not stated): 1000 Genomes Project 30x 0.00031; 1000 Genomes Project 0.00040; TOPMed 0.00066; gnomAD 0.00101.
gnomAD v4.1: 1,494 of 1,192,968 alleles (0.13%); highest among the groups gnomAD compares: Non-Finnish European, 0.14%; 3 homozygotes.

Submissions (2):

CeGaT Center for Human Genetics Tuebingen
Classification: Likely benign. Last evaluated: 2023-01-01. Review status: criteria provided, single submitter. Criteria: CeGaT Center For Human Genetics Tuebingen Variant Classification Criteria Version 2. Collection method: clinical testing. Allele origin: germline. Affected: yes. Observed: 1 variant allele.
Comment: LDB3: BS1

Blueprint Genetics
Classification: Likely benign. Last evaluated: 2018-05-30. Review status: criteria provided, single submitter. Criteria: ACMG Guidelines, 2015. Collection method: clinical testing. Allele origin: germline.